The following is an entry in ClinVar:

NM_002458.3(MUC5B):c.9819T>C (p.Thr3273=)

Genes: MUC5B (mucin 5B, oligomeric mucus/gel-forming; plus strand), MUC5B-AS1 (MUC5B antisense RNA 1; minus strand). Cytogenetic location: 11p15.5.
Variant type: single nucleotide variant.
Coding change: c.9819T>C on transcript NM_002458.3 (MANE Select); coding-DNA position 9819, T replaced by C.
Protein change: p.Thr3273=; no amino-acid change (threonine 3273 retained).
Molecular consequence: synonymous variant.
Genome position (GRCh38, 1-based): chr11:1,246,699, T>C. VCF-style: chr11-1246699-T-C. GRCh37 (hg19) VCF-style: chr11-1267929-T-C.
Identifiers: ClinVar variation 2641257 (VCV002641257.24), dbSNP rs767573845, ClinGen allele CA5807144.
Genomic context (GRCh38, chr11:1,246,699, plus strand): 5'-ACAGACCACCACACCCACGGCCACCATGTCCACAGCCACACCCTCCTCTACTCCAGAGAC[T>C]GTCCACACCTCCACAGTGCTTACCACCACGACCACCACAACCAGGGCCACCGGCTCTGTG-3'
Protein context (NP_002449.2, residues 3263-3283): STATPSSTPE[Thr3273=]VHTSTVLTTT

ClinVar aggregate classification (germline): Likely benign (1 of 4 stars; one submission).

Submission:

CeGaT Center for Human Genetics Tuebingen
Classification: Likely benign. Last evaluated: 2026-01-01. Review status: criteria provided, single submitter. Criteria: CeGaT Center For Human Genetics Tuebingen Variant Classification Criteria Version 2. Collection method: clinical testing. Allele origin: germline. Affected: yes. Observed: 6 variant alleles.
Comment: MUC5B: BP4, BP7